The following is an entry in ClinVar:

ClinVar aggregate classification (germline): Benign/Likely benign. Review status: criteria provided, multiple submitters, no conflicts (2 of 4 stars). 3 submissions from 3 submitters: Benign (1); Likely benign (2). Last evaluated 2026-01-27.

Conditions:
Epilepsy, childhood absence, susceptibility to, 5. Identifiers: Orphanet 64280, MedGen C2677087, MONDO:0012843, OMIM 612269.
Developmental and epileptic encephalopathy, 43 (DEE43). Also called: Epileptic encephalopathy, early infantile, 43. Identifiers: MedGen C4310712, MONDO:0014921, OMIM 617113.
Epilepsy, childhood absence, susceptibility to, 1. Also called: Epilepsy, childhood absence 1. Identifiers: Orphanet 64280, MedGen C1838604, MONDO:0020759, OMIM 600131.

Allele frequency attached by ClinVar (database versions not stated): TOPMed 0.00006; ExAC 0.00009; gnomAD exomes 0.00012 and 0.00002; gnomAD 0.00003.
gnomAD v4.1: 33 of 1,614,038 alleles (0.002%); highest among the groups gnomAD compares: Admixed American, 0.053%; no homozygotes.

Submissions (3):

Labcorp Genetics (formerly Invitae), Labcorp
Classification: Likely benign for Epilepsy, childhood absence, susceptibility to, 5; Epilepsy, childhood absence, susceptibility to, 1. Last evaluated: 2026-01-27. Review status: criteria provided, single submitter. Criteria: Invitae Variant Classification Sherloc (09022015). Collection method: clinical testing. Allele origin: germline.

GeneDx
Classification: Benign. Last evaluated: 2021-04-08. Review status: criteria provided, single submitter. Criteria: GeneDx Variant Classification Process June 2021. Collection method: clinical testing. Allele origin: germline. Affected: yes.

Center for Genomics, Ann and Robert H. Lurie Children's Hospital of Chicago
Classification: Likely benign for Epilepsy, childhood absence, susceptibility to, 5; Developmental and epileptic encephalopathy, 43. Review status: criteria provided, single submitter. Criteria: ACMG Guidelines, 2015. Collection method: clinical testing. Allele origin: germline.
Comment: This variant has not been reported in the literature but is present in the Genome Aggregation Database (Highest reported MAF 0.03% (5/15272). This variant is present in ClinVar, with multiple labs classifying this variant as Benign or Likely benign (Variation ID:469577). Evolutionary conservation and computational predictive tools for this variant are limited or unavailable. Of note, this variant is a silent variant and does not change the amino acid, reducing the probability that this variant is disease causing. In summary, data on this variant suggests that this variant does not cause disease but requires further evidence. Therefore, this variant is classified as likely benign.

NM_000814.6(GABRB3):c.969G>A (p.Glu323=)

Gene: GABRB3 (gamma-aminobutyric acid type A receptor subunit beta3; minus strand). Cytogenetic location: 15q12.
Variant type: single nucleotide variant.
Coding change: c.969G>A on transcript NM_000814.6 (MANE Select); coding-DNA position 969, G replaced by A.
Protein change: p.Glu323=; no amino-acid change (glutamic acid 323 retained).
Molecular consequence: synonymous variant.
Genome position (GRCh38, 1-based): chr15:26,561,043, C>T on the plus strand (G>A on the coding strand, the complement: GABRB3 is on the minus strand). VCF-style: chr15-26561043-C-T. GRCh37 (hg19) VCF-style: chr15-26806190-C-T.
Other names: c.714G>A, p.Glu238= (NM_001191320.2, NM_001278631.2); c.756G>A, p.Glu252= (NM_001191321.3); c.969G>A, p.Glu323= (NM_021912.5).
Identifiers: ClinVar variation 469577 (VCV000469577.14), dbSNP rs77608123, ClinGen allele CA7437334.